The following is an entry in ClinVar:

ClinVar aggregate classification (germline): Likely pathogenic (1 of 4 stars; one submission).

Conditions:
Aspartylglucosaminuria (AGU). Also called: AGA DEFICIENCY; GLYCOASPARAGINASE; GLYCOSYLASPARAGINASE DEFICIENCY; Aspartylglucos-aminuria; Aspartylglucos-amidase (AGA) deficiency. Identifiers: Orphanet 93, MedGen C0268225, MONDO:0008830, OMIM 208400, HP:0012068.

Submission:

Natera, Inc.
Classification: Likely pathogenic for Aspartylglucosaminuria. Last evaluated: 2024-06-03. Review status: criteria provided, single submitter. Criteria: Natera Variant Classification Schema (03/2026). Collection method: clinical testing. Allele origin: germline.
Comment: The c.381dup variant in AGA is a frameshift variant predicted to shift the reading frame beginning at codon 128 and leads to a stop codon 17 codons downstream. This variant is expected to result in nonsense mediated decay, truncation, or a dysfunctional protein product. This variant is rare in the general population with a frequency below the threshold expected for the associated phenotype(s). Given the available evidence, this variant is classified as Likely Pathogenic.

NM_000027.4(AGA):c.381dup (p.Val128fs)

Gene: AGA (aspartylglucosaminidase; minus strand). Cytogenetic location: 4q34.3.
Variant type: Duplication.
Coding change: c.381dup on transcript NM_000027.4 (MANE Select); coding-DNA position 381, one base duplicated (A; older notation c.381dupA).
Protein change: p.Val128fs; shifts the reading frame from valine 128.
Molecular consequence: frameshift variant. On other transcripts: non-coding transcript variant (1).
Genome position (GRCh38, 1-based): chr4:177,439,589, T duplicated on the plus strand (A on the coding strand, the reverse complement: AGA is on the minus strand). VCF-style (leftmost placement, unchanged base first): chr4-177439588-C-CT. GRCh37 (hg19) VCF-style: chr4-178360742-C-CT.
Other names: c.381dup, p.Val128fs (NM_001171988.2); short protein forms V128fs.
Identifiers: ClinVar variation 4817910 (VCV004817910.1).